The following is an entry in ClinVar:

ClinVar aggregate classification (germline): Uncertain significance. Review status: criteria provided, multiple submitters, no conflicts (2 of 4 stars). 2 submissions from 2 submitters: Uncertain significance (2). Last evaluated 2025-02-07.

Conditions:
Inborn genetic diseases. Identifiers: MedGen C0950123, MeSH D030342.
Familial hemophagocytic lymphohistiocytosis 4 (FHL4). Also called: STX11-Related Familial Hemophagocytic Lymphohistiocytosis (STX11-fHLH). Identifiers: Orphanet 540, MedGen C1863728, MONDO:0011336, OMIM 603552.

Submissions (2):

Ambry Genetics
Classification: Uncertain significance for Inborn genetic diseases. Last evaluated: 2025-02-07. Review status: criteria provided, single submitter. Criteria: Ambry Variant Classification Scheme 2023. Collection method: clinical testing. Allele origin: germline.

Labcorp Genetics (formerly Invitae), Labcorp
Classification: Uncertain significance for Hemophagocytic lymphohistiocytosis, familial, 4. Last evaluated: 2018-01-18. Review status: criteria provided, single submitter. Criteria: Invitae Variant Classification Sherloc (09022015). Collection method: clinical testing. Allele origin: germline.
Comment: This sequence change replaces threonine with serine at codon 256 of the STX11 protein (p.Thr256Ser). The threonine residue is weakly conserved and there is a small physicochemical difference between threonine and serine. This variant is not present in population databases (ExAC no frequency). This variant has not been reported in the literature in individuals with STX11-related disease. Algorithms developed to predict the effect of missense changes on protein structure and function do not agree on the potential impact of this missense change (SIFT: "Deleterious"; PolyPhen-2: "Possibly Damaging"; Align-GVGD: "Class C0"). In summary, the available evidence is currently insufficient to determine the role of this variant in disease. Therefore, it has been classified as a Variant of Uncertain Significance.

NM_003764.4(STX11):c.767C>G (p.Thr256Ser)

Gene: STX11 (syntaxin 11; plus strand). Cytogenetic location: 6q24.2.
Variant type: single nucleotide variant.
Coding change: c.767C>G on transcript NM_003764.4 (MANE Select); coding-DNA position 767, C replaced by G.
Protein change: p.Thr256Ser; replaces threonine 256 with serine.
Molecular consequence: missense variant.
Genome position (GRCh38, 1-based): chr6:144,187,394, C>G. VCF-style: chr6-144187394-C-G. GRCh37 (hg19) VCF-style: chr6-144508531-C-G.
Other names: c.767C>G (LRG_113t1); short protein forms T256S.
Identifiers: ClinVar variation 580091 (VCV000580091.2), dbSNP rs1562671483, ClinGen allele CA365950073.
Genomic context (GRCh38, chr6:144,187,394, plus strand): 5'-AGAAGCAGGCCGACACCCTGAACGTCATCGAGCTCAACGTACAAAAGACGGTCGACTACA[C>G]CGGCCAGGCCAAGGCGCAGGTGCGGAAGGCCGTGCAGTACGAGGAGAAGAACCCCTGCCG-3'
Protein context (NP_003755.2, residues 246-266): ELNVQKTVDY[Thr256Ser]GQAKAQVRKA